The following is an entry in ClinVar:

NM_000432.4(MYL2):c.353A>C (p.Tyr118Ser)

Gene: MYL2 (myosin light chain 2; minus strand). Cytogenetic location: 12q24.11.
Variant type: single nucleotide variant.
Coding change: c.353A>C on transcript NM_000432.4 (MANE Select); coding-DNA position 353, A replaced by C.
Protein change: p.Tyr118Ser; replaces tyrosine 118 with serine.
Molecular consequence: missense variant.
Genome position (GRCh38, 1-based): chr12:110,913,246, T>G on the plus strand (A>C on the coding strand, the complement: MYL2 is on the minus strand). VCF-style: chr12-110913246-T-G. GRCh37 (hg19) VCF-style: chr12-111351050-T-G.
Other names: c.311A>C, p.Tyr104Ser (NM_001406745.1); c.296A>C, p.Tyr99Ser (NM_001406916.1); short protein forms Y104S, Y118S, Y99S.
Identifiers: ClinVar variation 3652718 (VCV003652718.2).

ClinVar aggregate classification (germline): Uncertain significance (1 of 4 stars; one submission).

Conditions:
Hypertrophic cardiomyopathy 10. Also called: CARDIOMYOPATHY, HYPERTROPHIC, MID-LEFT VENTRICULAR CHAMBER TYPE, 2; MYL2-Related Familial Hypertrophic Cardiomyopathy. Identifiers: MedGen C1834460, MONDO:0012112, OMIM 608758.

Submission:

Labcorp Genetics (formerly Invitae), Labcorp
Classification: Uncertain significance for Hypertrophic cardiomyopathy 10. Last evaluated: 2024-05-27. Review status: criteria provided, single submitter. Criteria: Invitae Variant Classification Sherloc (09022015). Collection method: clinical testing. Allele origin: germline.
Comment: This sequence change replaces tyrosine, which is neutral and polar, with serine, which is neutral and polar, at codon 118 of the MYL2 protein (p.Tyr118Ser). This variant is not present in population databases (gnomAD no frequency). This variant has not been reported in the literature in individuals affected with MYL2-related conditions. An algorithm developed to predict the effect of missense changes on protein structure and function (PolyPhen-2) suggests that this variant is likely to be tolerated. In summary, the available evidence is currently insufficient to determine the role of this variant in disease. Therefore, it has been classified as a Variant of Uncertain Significance.